The following is an entry in ClinVar:

NM_015046.7(SETX):c.7628A>T (p.Lys2543Met)

Gene: SETX (senataxin; minus strand). Cytogenetic location: 9q34.13.
Variant type: single nucleotide variant.
Coding change: c.7628A>T on transcript NM_015046.7 (MANE Select); coding-DNA position 7628, A replaced by T.
Protein change: p.Lys2543Met; replaces lysine 2543 with methionine.
Molecular consequence: missense variant.
Genome position (GRCh38, 1-based): chr9:132,264,645, T>A on the plus strand (A>T on the coding strand, the complement: SETX is on the minus strand). VCF-style: chr9-132264645-T-A. GRCh37 (hg19) VCF-style: chr9-135140032-T-A.
Other names: c.7628A>T, p.Lys2543Met (NM_001351527.2); c.7715A>T, p.Lys2572Met (NM_001351528.2); short protein forms K2543M, K2572M.
Identifiers: ClinVar variation 2684374 (VCV002684374.1), dbSNP rs2538820857, ClinGen allele CA375324164.

ClinVar aggregate classification (germline): Uncertain significance (1 of 4 stars; one submission).

Submission:

Athena Diagnostics
Classification: Uncertain significance. Last evaluated: 2023-01-09. Review status: criteria provided, single submitter. Criteria: Athena Diagnostics Criteria. Collection method: clinical testing. Allele origin: unknown.
Comment: Available data are insufficient to determine the clinical significance of the variant at this time. This variant has not been reported in large, multi-ethnic general populations. Computational tools disagree on the variant's effect on normal protein function.